The following is an entry in ClinVar:

NM_181486.4(TBX5):c.299A>T (p.Tyr100Phe)

Gene: TBX5 (T-box transcription factor 5; minus strand). Cytogenetic location: 12q24.21.
Variant type: single nucleotide variant.
Coding change: c.299A>T on transcript NM_181486.4 (MANE Select); coding-DNA position 299, A replaced by T.
Protein change: p.Tyr100Phe; replaces tyrosine 100 with phenylalanine.
Molecular consequence: missense variant.
Genome position (GRCh38, 1-based): chr12:114,399,576, T>A on the plus strand (A>T on the coding strand, the complement: TBX5 is on the minus strand). VCF-style: chr12-114399576-T-A. GRCh37 (hg19) VCF-style: chr12-114837381-T-A.
Other names: c.299A>T, p.Tyr100Phe (NM_000192.3); c.149A>T, p.Tyr50Phe (NM_080717.4); short protein forms Y100F, Y50F.
Identifiers: ClinVar variation 4753784 (VCV004753784.1).

ClinVar aggregate classification (germline): Uncertain significance (1 of 4 stars; one submission).

Conditions:
Aortic valve disease 2 (AOVD2). Identifiers: MedGen C3542024, MONDO:0013902, OMIM 614823.

Submission:

Labcorp Genetics (formerly Invitae), Labcorp
Classification: Uncertain significance for Aortic valve disease 2. Last evaluated: 2025-05-11. Review status: criteria provided, single submitter. Criteria: Invitae Variant Classification Sherloc (09022015). Collection method: clinical testing. Allele origin: germline.
Comment: This sequence change replaces tyrosine, which is neutral and polar, with phenylalanine, which is neutral and non-polar, at codon 100 of the TBX5 protein (p.Tyr100Phe). This variant is not present in population databases (gnomAD no frequency). This variant has not been reported in the literature in individuals affected with TBX5-related conditions. Invitae Evidence Modeling of protein sequence and biophysical properties (such as structural, functional, and spatial information, amino acid conservation, physicochemical variation, residue mobility, and thermodynamic stability) indicates that this missense variant is not expected to disrupt TBX5 protein function with a negative predictive value of 80%. In summary, the available evidence is currently insufficient to determine the role of this variant in disease. Therefore, it has been classified as a Variant of Uncertain Significance.